The following is an entry in ClinVar:

ClinVar aggregate classification (germline): Uncertain significance (1 of 4 stars; one submission).

Allele frequency attached by ClinVar (database versions not stated): TOPMed below 0.00001.

Submission:

GeneDx
Classification: Uncertain significance. Last evaluated: 2022-09-21. Review status: criteria provided, single submitter. Criteria: GeneDx Variant Classification Process June 2021. Collection method: clinical testing. Allele origin: germline. Affected: yes.
Comment: Not observed at significant frequency in large population cohorts (gnomAD); In silico analysis supports that this missense variant does not alter protein structure/function; Has not been previously published as pathogenic or benign to our knowledge

NM_001291415.2(KDM6A):c.3221A>G (p.His1074Arg)

Gene: KDM6A (lysine demethylase 6A; plus strand). Cytogenetic location: Xp11.3.
Variant type: single nucleotide variant.
Coding change: c.3221A>G on transcript NM_001291415.2 (MANE Select); coding-DNA position 3221, A replaced by G.
Protein change: p.His1074Arg; replaces histidine 1074 with arginine.
Molecular consequence: missense variant. On other transcripts: non-coding transcript variant (1).
Genome position (GRCh38, 1-based): chrX:45,079,272, A>G. VCF-style: chrX-45079272-A-G. GRCh37 (hg19) VCF-style: chrX-44938517-A-G.
Other names: c.3086A>G, p.His1029Arg (NM_001291416.2); c.2930A>G, p.His977Arg (NM_001291417.2); c.2828A>G, p.His943Arg (NM_001291418.2); c.2177A>G, p.His726Arg (NM_001291421.2); c.2963A>G, p.His988Arg (NM_001410742.1); c.3065A>G, p.His1022Arg (NM_021140.4); short protein forms H1022R, H1029R, H1074R, H726R, H943R, H977R, H988R.
Identifiers: ClinVar variation 2446215 (VCV002446215.1), dbSNP rs865968726, ClinGen allele CA329055205.